The following is an entry in ClinVar:

ClinVar aggregate classification (germline): Uncertain significance (1 of 4 stars; one submission).

Conditions:
Charcot-Marie-Tooth disease axonal type 2Z. Also called: CHARCOT-MARIE-TOOTH DISEASE, AXONAL, AUTOSOMAL DOMINANT, TYPE 2Z; CHARCOT-MARIE-TOOTH NEUROPATHY, TYPE 2Z. Identifiers: Orphanet 466768, MedGen C5569025, MONDO:0014736, OMIM 616688.

Submission:

Human Genetics Bochum, Ruhr University Bochum
Classification: Uncertain significance for Charcot-Marie-Tooth disease axonal type 2Z. Last evaluated: 2026-06-08. Review status: criteria provided, single submitter. Criteria: ACMG Guidelines, 2015. Collection method: clinical testing. Allele origin: germline. Affected: yes.
Comment: ACMG criteria used to clasify this variant: PP3_MOD, PM2_SUP, PP2

NM_001303256.3(MORC2):c.347T>A (p.Ile116Asn)

Gene: MORC2 (MORC family CW-type zinc finger 2; minus strand). Cytogenetic location: 22q12.2.
Variant type: single nucleotide variant.
Coding change: c.347T>A on transcript NM_001303256.3 (MANE Select); coding-DNA position 347, T replaced by A.
Protein change: p.Ile116Asn; replaces isoleucine 116 with asparagine.
Molecular consequence: missense variant.
Genome position (GRCh38, 1-based): chr22:30,946,420, A>T on the plus strand (T>A on the coding strand, the complement: MORC2 is on the minus strand). VCF-style: chr22-30946420-A-T. GRCh37 (hg19) VCF-style: chr22-31342407-A-T.
Other names: c.347T>A, p.Ile116Asn (NM_001303257.2); c.161T>A, p.Ile54Asn (NM_014941.3); short protein forms I116N, I54N.
Identifiers: ClinVar variation 4876778 (VCV004876778.1).